The following is an entry in ClinVar:

ClinVar aggregate classification (germline): Uncertain significance (1 of 4 stars; one submission).

Conditions:
Melnick-Fraser syndrome (BOR). Also called: Branchiootorenal syndrome; Branchiootorenal Syndrome (BORS); Branchio-oto-renal syndrome. Identifiers: Orphanet 107, MedGen C0265234, MONDO:0007029.

Submission:

Labcorp Genetics (formerly Invitae), Labcorp
Classification: Uncertain significance for Melnick-Fraser syndrome. Last evaluated: 2018-02-27. Review status: criteria provided, single submitter. Criteria: Invitae Variant Classification Sherloc (09022015). Collection method: clinical testing. Allele origin: germline.
Comment: Nucleotide substitutions within the consensus splice site are relatively common causes of aberrant splicing (PMID: 17576681, 9536098). Algorithms developed to predict the effect of nucleotide changes on RNA splicing suggest that this variant may alter RNA splicing, but this prediction has not been confirmed by published transcriptional studies. This variant is not present in population databases (ExAC no frequency) and has not been reported in the literature in individuals with an EYA1-related disease. This sequence change falls in intron 6 of the EYA1 gene. It does not directly change the encoded amino acid sequence of the EYA1 protein. In summary, this is a novel intronic change with uncertain impact on splicing. It has been classified as a Variant of Uncertain Significance.

Literature cited by the submitters: PubMed 17576681; PubMed 9536098.

NM_000503.6(EYA1):c.418+3G>C

Gene: EYA1 (EYA transcriptional coactivator and phosphatase 1; minus strand). Cytogenetic location: 8q13.3.
Variant type: single nucleotide variant.
Coding change: c.418+3G>C on transcript NM_000503.6 (MANE Select); 3 bases into the intron after coding-DNA position 418, G replaced by C.
Molecular consequence: intron variant.
Genome position (GRCh38, 1-based): chr8:71,321,731, C>G on the plus strand (G>C on the coding strand, the complement: EYA1 is on the minus strand). VCF-style: chr8-71321731-C-G. GRCh37 (hg19) VCF-style: chr8-72233966-C-G.
Other names: c.502+3G>C (NM_001370336.1); c.505+3G>C (NM_001370333.1, NM_172059.5); c.418+3G>C (NM_001370335.1, NM_001370334.1, NM_172058.4); c.67+3G>C (NM_001288575.2); c.415+3G>C (NM_001288574.2).
Identifiers: ClinVar variation 459255 (VCV000459255.10), dbSNP rs1554550269, ClinGen allele CA658657779.